The following is an entry in ClinVar:

NM_000901.5(NR3C2):c.1550del (p.Asn517fs)

Gene: NR3C2 (nuclear receptor subfamily 3 group C member 2; minus strand). Cytogenetic location: 4q31.23.
Variant type: Deletion.
Coding change: c.1550del on transcript NM_000901.5 (MANE Select); coding-DNA position 1550, one base deleted (A; older notation c.1550delA).
Protein change: p.Asn517fs; shifts the reading frame from asparagine 517.
Molecular consequence: frameshift variant. On other transcripts: non-coding transcript variant (1).
Genome position (GRCh38, 1-based): chr4:148,435,311, T deleted on the plus strand (A on the coding strand, the reverse complement: NR3C2 is on the minus strand); the first of 2 consecutive T bases (chr4:148,435,311-148,435,312); deleting either gives the same sequence. VCF-style (leftmost placement, unchanged base first): chr4-148435310-AT-A. GRCh37 (hg19) VCF-style: chr4-149356462-AT-A.
Other names: c.1550del, p.Asn517fs (NM_001166104.2, NM_001354819.1, NM_001437654.1 and 4 more transcripts); short protein forms N517fs.
Identifiers: ClinVar variation 5019050 (VCV005019050.2).

ClinVar aggregate classification (germline): Likely pathogenic (1 of 4 stars; one submission).

Conditions:
Autosomal dominant pseudohypoaldosteronism type 1. Also called: Pseudohypoaldosteronism, Type I, Dominant; PHA I, AUTOSOMAL DOMINANT; Pseudohypoaldosteronism, Type I, Autosomal Dominant. Identifiers: Orphanet 171871, Orphanet 756, MedGen C1449842, MONDO:0008329, OMIM 177735.
Pseudohyperaldosteronism type 2. Identifiers: Orphanet 88660, MedGen C1854631, MONDO:0011517, OMIM 605115.

Submission:

Juno Genomics, Hangzhou Juno Genomics, Inc
Classification: Likely pathogenic for Pseudohyperaldosteronism type 2; Autosomal dominant pseudohypoaldosteronism type 1. Review status: criteria provided, single submitter. Criteria: ACMG Guidelines, 2015. Collection method: clinical testing. Allele origin: germline.
Comment: Absent from controls (or at extremely low frequency if recessive) in Genome Aggregation Database.;Null variant in a gene where loss of function (LOF) is a known mechanism of disease.